The following is an entry in ClinVar:

NM_003072.5(SMARCA4):c.4813G>C (p.Ala1605Pro)

Gene: SMARCA4 (SWI/SNF related BAF chromatin remodeling complex subunit ATPase 4; plus strand). Cytogenetic location: 19p13.2.
Variant type: single nucleotide variant.
Coding change: c.4813G>C on transcript NM_003072.5 (MANE Select); coding-DNA position 4813, G replaced by C.
Protein change: p.Ala1605Pro; replaces alanine 1605 with proline.
Molecular consequence: missense variant. On other transcripts: non-coding transcript variant (1).
Genome position (GRCh38, 1-based): chr19:11,060,089, G>C. VCF-style: chr19-11060089-G-C. GRCh37 (hg19) VCF-style: chr19-11170765-G-C.
Other names: c.4813G>C, p.Ala1605Pro (NM_001128844.3); c.4723G>C, p.Ala1575Pro (NM_001128845.2); c.4720G>C, p.Ala1574Pro (NM_001128846.2); c.4714G>C, p.Ala1572Pro (NM_001128847.4, NM_001374457.1); c.4711G>C, p.Ala1571Pro (NM_001128848.2); c.4909G>C, p.Ala1637Pro (NM_001128849.3, NM_001387283.1); short protein forms A1637P, A1571P, A1572P, A1574P, A1575P, A1605P.
Identifiers: ClinVar variation 577217 (VCV000577217.19), dbSNP rs141224876, ClinGen allele CA305298961.

ClinVar aggregate classification (germline): Uncertain significance. Review status: criteria provided, multiple submitters, no conflicts (2 of 4 stars). 4 submissions from 4 submitters: Uncertain significance (4). Last evaluated 2025-06-14.

Conditions:
Hereditary cancer-predisposing syndrome. Also called: Tumor predisposition; Hereditary neoplastic syndrome; Hereditary Cancer Syndrome; Neoplastic Syndromes, Hereditary. Identifiers: Orphanet 140162, MedGen C0027672, MeSH D009386, MONDO:0015356.
Intellectual disability, autosomal dominant 16 (CSS4). Also called: COFFIN-SIRIS SYNDROME 4. Identifiers: Orphanet 1465, MedGen C3553249, MONDO:0013821, OMIM 614609.
Rhabdoid tumor predisposition syndrome 2 (RTPS2). Identifiers: Orphanet 231108, Orphanet 69077, MedGen C2750074, MONDO:0013224, OMIM 613325.

Allele frequency attached by ClinVar (database versions not stated): gnomAD 0.00001; 1000 Genomes Project 30x 0.00016; 1000 Genomes Project 0.00020.
gnomAD v4.1: 2 of 1,553,268 alleles (0.00013%); highest among the groups gnomAD compares: Non-Finnish European, 0.00017%; no homozygotes.

Submissions (4):

Labcorp Genetics (formerly Invitae), Labcorp
Classification: Uncertain significance for Rhabdoid tumor predisposition syndrome 2. Last evaluated: 2025-06-14. Review status: criteria provided, single submitter. Criteria: Invitae Variant Classification Sherloc (09022015). Collection method: clinical testing. Allele origin: germline.
Comment: This sequence change replaces alanine, which is neutral and non-polar, with proline, which is neutral and non-polar, at codon 1637 of the SMARCA4 protein (p.Ala1637Pro). This variant is not present in population databases (gnomAD no frequency). This variant has not been reported in the literature in individuals affected with SMARCA4-related conditions. ClinVar contains an entry for this variant (Variation ID: 577217). An algorithm developed to predict the effect of missense changes on protein structure and function (PolyPhen-2) suggests that this variant is likely to be tolerated. In summary, the available evidence is currently insufficient to determine the role of this variant in disease. Therefore, it has been classified as a Variant of Uncertain Significance.

Quest Diagnostics Nichols Institute San Juan Capistrano
Classification: Uncertain significance. Last evaluated: 2024-12-06. Review status: criteria provided, single submitter. Criteria: Quest Diagnostics criteria. Collection method: clinical testing. Allele origin: unknown.
Comment: The SMARCA4 c.4909G>C (p.Ala1637Pro) variant has not been reported in individuals with SMARCA4-related conditions in the published literature. The frequency of this variant in the general population (Genome Aggregation Database) is uninformative in the assessment of its pathogenicity. Analysis of this variant using bioinformatics tools for the prediction of the effect of amino acid changes on protein structure and function yielded predictions that this variant is benign. Based on the available information, we are unable to determine the clinical significance of this variant.

Ambry Genetics
Classification: Uncertain significance for Hereditary cancer-predisposing syndrome. Last evaluated: 2023-09-14. Review status: criteria provided, single submitter. Criteria: Ambry Variant Classification Scheme 2023. Collection method: clinical testing. Allele origin: germline.
Comment: The p.A1637P variant (also known as c.4909G>C), located in coding exon 34 of the SMARCA4 gene, results from a G to C substitution at nucleotide position 4909. The alanine at codon 1637 is replaced by proline, an amino acid with highly similar properties. This amino acid position is highly conserved through mammals but not in all available vertebrate species. In addition, the in silico prediction for this alteration is inconclusive. Missense and in-frame variants in SMARCA4 are known to cause neurodevelopmental disorders; however, such associations with rhabdoid tumor predisposition syndrome including small cell carcinoma of the ovary-hypercalcemic type (SCCOHT) are exceedingly rare (Kosho T et al. Am J Med Genet C Semin Med Genet. 2014 Sep;166C(3):262-75; Jelinic P et al. Nat Genet. 2014 May;46(5):424-6). Based on the supporting evidence, the association of this alteration with Coffin-Siris syndrome is unknown; however, the association of this alteration with rhabdoid tumor predisposition syndrome is unlikely.

Genome-Nilou Lab
Classification: Uncertain significance for Intellectual disability, autosomal dominant 16. Last evaluated: 2021-07-15. Review status: criteria provided, single submitter. Criteria: ACMG Guidelines, 2015. Collection method: clinical testing. Allele origin: germline. Affected: no.